The following is an entry in ClinVar:

ClinVar aggregate classification (germline): Uncertain significance (1 of 4 stars; one submission).

Conditions:
Congenital myotonia, autosomal dominant form (THD). Also called: THOMSEN DISEASE; Myotonia congenita autosomal dominant. Identifiers: Orphanet 614, MedGen C2936781, MONDO:0008055, OMIM 160800.

Allele frequency attached by ClinVar (database versions not stated): gnomAD exomes below 0.00001; gnomAD 0.00001.
gnomAD v4.1: 4 of 1,612,870 alleles (0.00025%); highest among the groups gnomAD compares: Non-Finnish European, 0.00025%; no homozygotes.

Submission:

MGZ Medical Genetics Center
Classification: Uncertain significance for Congenital myotonia, autosomal dominant form. Last evaluated: 2022-01-17. Review status: criteria provided, single submitter. Criteria: ACMG Guidelines, 2015. Collection method: clinical testing. Allele origin: germline. Affected: yes. Observed: 1 variant allele.
Comment: ACMG criteria applied: PM2_SUP, PP3

NM_000083.3(CLCN1):c.1586C>T (p.Ala529Val)

Gene: CLCN1 (chloride voltage-gated channel 1; plus strand). Cytogenetic location: 7q34.
Variant type: single nucleotide variant.
Coding change: c.1586C>T on transcript NM_000083.3 (MANE Select); coding-DNA position 1586, C replaced by T.
Protein change: p.Ala529Val; replaces alanine 529 with valine.
Molecular consequence: missense variant. On other transcripts: non-coding transcript variant (1).
Genome position (GRCh38, 1-based): chr7:143,341,932, C>T. VCF-style: chr7-143341932-C-T. GRCh37 (hg19) VCF-style: chr7-143039025-C-T.
Other names: short protein forms A529V.
Identifiers: ClinVar variation 1709085 (VCV001709085.2), dbSNP rs1803087610, ClinGen allele CA369646351.